The following is an entry in ClinVar:

NM_005045.4(RELN):c.3061G>A (p.Glu1021Lys)

Gene: RELN (reelin; minus strand). Cytogenetic location: 7q22.1.
Variant type: single nucleotide variant.
Coding change: c.3061G>A on transcript NM_005045.4 (MANE Select); coding-DNA position 3061, G replaced by A.
Protein change: p.Glu1021Lys; replaces glutamic acid 1021 with lysine.
Molecular consequence: missense variant.
Genome position (GRCh38, 1-based): chr7:103,604,431, C>T on the plus strand (G>A on the coding strand, the complement: RELN is on the minus strand). VCF-style: chr7-103604431-C-T. GRCh37 (hg19) VCF-style: chr7-103244878-C-T.
Other names: c.3061G>A (NM_005045.3); c.3061G>A, p.Glu1021Lys (NM_173054.3); short protein forms E1021K.
Identifiers: ClinVar variation 2937639 (VCV002937639.4), dbSNP rs910972681, ClinGen allele CA163950581.

ClinVar aggregate classification (germline): Uncertain significance. Review status: criteria provided, multiple submitters, no conflicts (2 of 4 stars). 2 submissions from 2 submitters: Uncertain significance (2). Last evaluated 2025-08-23.

Conditions:
Norman-Roberts syndrome (LIS2). Also called: Lissencephaly 2 (Norman-Roberts type). Identifiers: Orphanet 89844, MedGen C0796089, MONDO:0009760, OMIM 257320.
Familial temporal lobe epilepsy 7. Identifiers: Orphanet 101046, MedGen C4225327, MONDO:0014639, OMIM 616436.
Inborn genetic diseases. Identifiers: MedGen C0950123, MeSH D030342.

Allele frequency attached by ClinVar (database versions not stated): gnomAD 0.00001; gnomAD exomes 0.00001; TOPMed 0.00001.
gnomAD v4.1: 13 of 1,613,806 alleles (0.00081%); highest among the groups gnomAD compares: Admixed American, 0.0033%; no homozygotes.

Submissions (2):

Ambry Genetics
Classification: Uncertain significance for Inborn genetic diseases. Last evaluated: 2025-08-23. Review status: criteria provided, single submitter. Criteria: Ambry Variant Classification Scheme 2023. Collection method: clinical testing. Allele origin: germline.

Labcorp Genetics (formerly Invitae), Labcorp
Classification: Uncertain significance for Familial temporal lobe epilepsy 7; Norman-Roberts syndrome. Last evaluated: 2024-09-17. Review status: criteria provided, single submitter. Criteria: Invitae Variant Classification Sherloc (09022015). Collection method: clinical testing. Allele origin: germline.
Comment: This sequence change replaces glutamic acid, which is acidic and polar, with lysine, which is basic and polar, at codon 1021 of the RELN protein (p.Glu1021Lys). This variant is present in population databases (no rsID available, gnomAD 0.006%). This variant has not been reported in the literature in individuals affected with RELN-related conditions. Invitae Evidence Modeling of protein sequence and biophysical properties (such as structural, functional, and spatial information, amino acid conservation, physicochemical variation, residue mobility, and thermodynamic stability) indicates that this missense variant is not expected to disrupt RELN protein function with a negative predictive value of 80%. In summary, the available evidence is currently insufficient to determine the role of this variant in disease. Therefore, it has been classified as a Variant of Uncertain Significance.